The following is an entry in ClinVar:

ClinVar aggregate classification (germline): Uncertain significance. Review status: criteria provided, multiple submitters, no conflicts (2 of 4 stars). 2 submissions from 2 submitters: Uncertain significance (2). Last evaluated 2025-10-05.

Conditions:
NEK1-related disorder. Also called: NEK1-related condition.
Short-rib thoracic dysplasia 6 with or without polydactyly (SRTD6). Also called: POLYDACTYLY WITH NEONATAL CHONDRODYSTROPHY, TYPE II; SHORT RIB-POLYDACTYLY SYNDROME, TYPE IIA; Majewski Syndrome; SHORT-RIB THORACIC DYSPLASIA 6 WITH POLYDACTYLY; SHORT-RIB THORACIC DYSPLASIA 6 WITHOUT POLYDACTYLY. Identifiers: MedGen C0024507, MONDO:0009894, OMIM 263520.

gnomAD v4.1: 55 of 1,609,472 alleles (0.0034%); highest among the groups gnomAD compares: South Asian, 0.025%; no homozygotes.

Submissions (2):

Labcorp Genetics (formerly Invitae), Labcorp
Classification: Uncertain significance for Short-rib thoracic dysplasia 6 with or without polydactyly. Last evaluated: 2025-10-05. Review status: criteria provided, single submitter. Criteria: Invitae Variant Classification Sherloc (09022015). Collection method: clinical testing. Allele origin: germline.
Comment: This sequence change replaces proline, which is neutral and non-polar, with leucine, which is neutral and non-polar, at codon 807 of the NEK1 protein (p.Pro807Leu). This variant is present in population databases (rs368699255, gnomAD 0.03%). This missense change has been observed in individual(s) with amyotrophic lateral sclerosis (PMID: 34544842, 37952009). Invitae Evidence Modeling of protein sequence and biophysical properties (such as structural, functional, and spatial information, amino acid conservation, physicochemical variation, residue mobility, and thermodynamic stability) indicates that this missense variant is expected to disrupt NEK1 protein function with a positive predictive value of 80%. In summary, the available evidence is currently insufficient to determine the role of this variant in disease. Therefore, it has been classified as a Variant of Uncertain Significance.

PreventionGenetics, part of Exact Sciences
Classification: Uncertain significance for NEK1-related condition. Last evaluated: 2025-09-02. Review status: criteria provided, single submitter. Criteria: ACMG Guidelines, 2015. Collection method: clinical testing. Allele origin: germline.
Comment: The NEK1 c.2420C>T variant is predicted to result in the amino acid substitution p.Pro807Leu. This variant has been reported in large cohort studies of amyotrophic lateral sclerosis (Table S14, Chen et al. 2022. PubMed ID: 34544842; Table S1, Hu et al. 2023. PubMed ID: 37952009). This variant is reported in 0.033% of alleles in individuals of South Asian descent in gnomAD. At this time, the clinical significance of this variant is uncertain due to the absence of conclusive functional and genetic evidence.

Literature cited by the submitters: PubMed 34544842 (cited by Labcorp Genetics (formerly Invitae), Labcorp); PubMed 37952009 (cited by Labcorp Genetics (formerly Invitae), Labcorp).

NM_001199397.3(NEK1):c.2504C>T (p.Pro835Leu)

Gene: NEK1 (NIMA related kinase 1; minus strand). Cytogenetic location: 4q33.
Variant type: single nucleotide variant.
Coding change: c.2504C>T on transcript NM_001199397.3 (MANE Select); coding-DNA position 2504, C replaced by T.
Protein change: p.Pro835Leu; replaces proline 835 with leucine.
Molecular consequence: missense variant. On other transcripts: non-coding transcript variant (1).
Genome position (GRCh38, 1-based): chr4:169,463,326, G>A on the plus strand (C>T on the coding strand, the complement: NEK1 is on the minus strand). VCF-style: chr4-169463326-G-A. GRCh37 (hg19) VCF-style: chr4-170384477-G-A.
Other names: c.2372C>T, p.Pro791Leu (NM_001199398.3, NM_001440622.1); c.2213C>T, p.Pro738Leu (NM_001199399.3); c.2288C>T, p.Pro763Leu (NM_001199400.3, NM_001440623.1); c.2504C>T, p.Pro835Leu (NM_001374418.1, NM_001440620.1); c.2420C>T, p.Pro807Leu (NM_001374419.1, NM_001440621.1, NM_012224.4); c.2369C>T, p.Pro790Leu (NM_001374420.1); c.2198C>T, p.Pro733Leu (NM_001374421.1); c.1799C>T, p.Pro600Leu (NM_001440624.1); and 2 more; short protein forms P763L, P790L, P791L, P835L, P556L, P600L, P733L, P738L.
Identifiers: ClinVar variation 4722633 (VCV004722633.2).